The following is an entry in ClinVar:

NM_005076.5(CNTN2):c.1840G>T (p.Val614Leu)

Gene: CNTN2 (contactin 2; plus strand). Cytogenetic location: 1q32.1.
Variant type: single nucleotide variant.
Coding change: c.1840G>T on transcript NM_005076.5 (MANE Select); coding-DNA position 1840, G replaced by T.
Protein change: p.Val614Leu; replaces valine 614 with leucine.
Molecular consequence: missense variant. On other transcripts: non-coding transcript variant (1).
Genome position (GRCh38, 1-based): chr1:205,066,464, G>T. VCF-style: chr1-205066464-G-T. GRCh37 (hg19) VCF-style: chr1-205035592-G-T.
Other names: c.1840G>T, p.Val614Leu (NM_001346083.2); short protein forms V614L.
Identifiers: ClinVar variation 1504775 (VCV001504775.7), dbSNP rs2151195932, ClinGen allele CA344376180.

ClinVar aggregate classification (germline): Uncertain significance (1 of 4 stars; one submission).

Conditions:
Epilepsy, familial adult myoclonic, 5 (EPEO5). Also called: CORTICAL MYOCLONIC TREMOR WITH EPILEPSY, FAMILIAL, 5. Identifiers: Orphanet 86814, MedGen C3809374, MONDO:0014167, OMIM 615400.

gnomAD v4.1: 1 of 1,614,052 alleles (0.000062%); no homozygotes.

Submission:

Labcorp Genetics (formerly Invitae), Labcorp
Classification: Uncertain significance for Epilepsy, familial adult myoclonic, 5. Last evaluated: 2025-10-01. Review status: criteria provided, single submitter. Criteria: Invitae Variant Classification Sherloc (09022015). Collection method: clinical testing. Allele origin: germline.
Comment: This sequence change replaces valine, which is neutral and non-polar, with leucine, which is neutral and non-polar, at codon 614 of the CNTN2 protein (p.Val614Leu). This variant is not present in population databases (gnomAD no frequency). This variant has not been reported in the literature in individuals affected with CNTN2-related conditions. ClinVar contains an entry for this variant (Variation ID: 1504775). Invitae Evidence Modeling of protein sequence and biophysical properties (such as structural, functional, and spatial information, amino acid conservation, physicochemical variation, residue mobility, and thermodynamic stability) indicates that this missense variant is not expected to disrupt CNTN2 protein function with a negative predictive value of 95%. In summary, the available evidence is currently insufficient to determine the role of this variant in disease. Therefore, it has been classified as a Variant of Uncertain Significance.